The following is an entry in ClinVar:

NM_007294.4(BRCA1):c.1562C>G (p.Ala521Gly)

Gene: BRCA1 (BRCA1 DNA repair associated; minus strand). Cytogenetic location: 17q21.31.
Variant type: single nucleotide variant.
Coding change: c.1562C>G on transcript NM_007294.4 (MANE Select); coding-DNA position 1562, C replaced by G.
Protein change: p.Ala521Gly; replaces alanine 521 with glycine.
Molecular consequence: missense variant. On other transcripts: intron variant (137).
Genome position (GRCh38, 1-based): chr17:43,093,969, G>C on the plus strand (C>G on the coding strand, the complement: BRCA1 is on the minus strand). VCF-style: chr17-43093969-G-C. GRCh37 (hg19) VCF-style: chr17-41245986-G-C.
Other names: c.1298C>G, p.Ala433Gly (NM_001407922.1, NM_001407923.1, NM_001407924.1 and 9 more transcripts); c.1295C>G, p.Ala432Gly (NM_001407930.1, NM_001407931.1, NM_001407932.1 and 2 more transcripts); c.1439C>G, p.Ala480Gly (NM_001407937.1, NM_001407938.1, NM_001407939.1 and 19 more transcripts); c.1436C>G, p.Ala479Gly (NM_001407940.1, NM_001407941.1, NM_001407649.1 and 11 more transcripts); c.1421C>G, p.Ala474Gly (NM_001407942.1, NM_001407944.1, NM_001407945.1 and 29 more transcripts); c.1418C>G, p.Ala473Gly (NM_001407943.1, NM_001407964.1, NM_001407740.1 and 20 more transcripts); c.1229C>G, p.Ala410Gly (NM_001407946.1, NM_001407947.1, NM_001407948.1 and 6 more transcripts); c.1226C>G, p.Ala409Gly (NM_001407954.1, NM_001407955.1, NM_001407956.1 and 1 more transcripts); and 40 more; short protein forms A393G, A394G, A474G, A479G, A480G, A518G, A433G, A450G.
Identifiers: ClinVar variation 1775283 (VCV001775283.5), dbSNP rs2154436230, ClinGen allele CA10598919.

ClinVar aggregate classification (germline): Conflicting classifications of pathogenicity. Review status: criteria provided, conflicting classifications (1 of 4 stars). 2 submissions from 2 submitters: Uncertain significance (1); Likely benign (1). Last evaluated 2025-11-24.

Conditions:
Hereditary cancer-predisposing syndrome. Also called: Hereditary Cancer Syndrome; Hereditary neoplastic syndrome; Neoplastic Syndromes, Hereditary; Tumor predisposition. Identifiers: Orphanet 140162, MedGen C0027672, MeSH D009386, MONDO:0015356.

Submissions (2):

Ambry Genetics
Classification: Uncertain significance for Hereditary cancer-predisposing syndrome. Last evaluated: 2025-11-24. Review status: criteria provided, single submitter. Criteria: Ambry Variant Classification Scheme 2023. Collection method: clinical testing. Allele origin: germline.
Comment: The p.A521G variant (also known as c.1562C>G), located in coding exon 9 of the BRCA1 gene, results from a C to G substitution at nucleotide position 1562. The alanine at codon 521 is replaced by glycine, an amino acid with similar properties. This amino acid position is poorly conserved in available vertebrate species. In addition, the in silico prediction for this alteration is inconclusive. Since supporting evidence is limited at this time, the clinical significance of this alteration remains unclear.

University of Washington Department of Laboratory Medicine, University of Washington
Classification: Likely benign for Hereditary cancer-predisposing syndrome. Last evaluated: 2023-03-23. Review status: criteria provided, single submitter. Criteria: Dines et al. (Genet Med. 2020). Collection method: curation. Allele origin: germline.
Comment: Missense variant in a coldspot region where missense variants are very unlikely to be pathogenic (PMID:31911673).

BRCA1 coldspot (exon 11 using historical exon numbering). Reclassification based on statistical prior probability